The following is an entry in ClinVar:

ClinVar aggregate classification (germline): Uncertain significance. Review status: criteria provided, multiple submitters, no conflicts (2 of 4 stars). 3 submissions from 3 submitters: Uncertain significance (3). Last evaluated 2025-09-24.

Conditions:
Inborn genetic diseases. Identifiers: MedGen C0950123, MeSH D030342.
Norman-Roberts syndrome (LIS2). Also called: Lissencephaly 2 (Norman-Roberts type). Identifiers: Orphanet 89844, MedGen C0796089, MONDO:0009760, OMIM 257320.
Familial temporal lobe epilepsy 7. Identifiers: Orphanet 101046, MedGen C4225327, MONDO:0014639, OMIM 616436.

Allele frequency attached by ClinVar (database versions not stated): gnomAD exomes below 0.00001; TOPMed below 0.00001; gnomAD 0.00001; ESP Exome Variant Server 0.00008.
gnomAD v4.1: 2 of 1,605,212 alleles (0.00012%); highest among the groups gnomAD compares: African/African-American, 0.0027%; no homozygotes.

Submissions (3):

Labcorp Genetics (formerly Invitae), Labcorp
Classification: Uncertain significance for Familial temporal lobe epilepsy 7; Norman-Roberts syndrome. Last evaluated: 2025-09-24. Review status: criteria provided, single submitter. Criteria: Invitae Variant Classification Sherloc (09022015). Collection method: clinical testing. Allele origin: germline.
Comment: This sequence change replaces histidine, which is basic and polar, with leucine, which is neutral and non-polar, at codon 506 of the RELN protein (p.His506Leu). This variant is not present in population databases (gnomAD no frequency). This variant has not been reported in the literature in individuals affected with RELN-related conditions. ClinVar contains an entry for this variant (Variation ID: 452697). Invitae Evidence Modeling of protein sequence and biophysical properties (such as structural, functional, and spatial information, amino acid conservation, physicochemical variation, residue mobility, and thermodynamic stability) indicates that this missense variant is not expected to disrupt RELN protein function with a negative predictive value of 80%. In summary, the available evidence is currently insufficient to determine the role of this variant in disease. Therefore, it has been classified as a Variant of Uncertain Significance.

Ambry Genetics
Classification: Uncertain significance for Inborn genetic diseases. Last evaluated: 2024-09-02. Review status: criteria provided, single submitter. Criteria: Ambry Variant Classification Scheme 2023. Collection method: clinical testing. Allele origin: germline.

GeneDx
Classification: Uncertain significance. Last evaluated: 2018-11-14. Review status: criteria provided, single submitter. Criteria: GeneDx Variant Classification (06012015). Collection method: clinical testing. Allele origin: germline. Affected: yes.
Comment: The H506L variant in the RELN gene has not been reported previously as a pathogenic variant, nor as a benign variant, to our knowledge. The H506L variant is not observed in large population cohorts (Lek et al., 2016). The H506L variant is a non-conservative amino acid substitution, which is likely to impact secondary protein structure as these residues differ in polarity, charge, size and/or other properties. In-silico analyses, including protein predictors and evolutionary conservation, support a deleterious effect. We interpret H506L as a variant of uncertain significance

NM_005045.4(RELN):c.1517A>T (p.His506Leu)

Gene: RELN (reelin; minus strand). Cytogenetic location: 7q22.1.
Variant type: single nucleotide variant.
Coding change: c.1517A>T on transcript NM_005045.4 (MANE Select); coding-DNA position 1517, A replaced by T.
Protein change: p.His506Leu; replaces histidine 506 with leucine.
Molecular consequence: missense variant.
Genome position (GRCh38, 1-based): chr7:103,654,130, T>A on the plus strand (A>T on the coding strand, the complement: RELN is on the minus strand). VCF-style: chr7-103654130-T-A. GRCh37 (hg19) VCF-style: chr7-103294577-T-A.
Other names: c.1517A>T, p.His506Leu (NM_173054.3); short protein forms H506L.
Identifiers: ClinVar variation 452697 (VCV000452697.7), dbSNP rs375542264, ClinGen allele CA163942494.